The following is an entry in ClinVar:

ClinVar aggregate classification (germline): Likely benign. Review status: criteria provided, multiple submitters, no conflicts (2 of 4 stars). 4 submissions from 4 submitters: Likely benign (3). 1 of the submissions does not count toward it. Last evaluated 2026-02-20.

Conditions:
HEMOGLOBIN G (SAN JOSE).

Allele frequency attached by ClinVar (database versions not stated): gnomAD exomes below 0.00001 and 0.00001; TOPMed below 0.00001; ExAC 0.00001.
gnomAD v4.1: 4 of 1,612,294 alleles (0.00025%); highest among the groups gnomAD compares: Admixed American, 0.005%; no homozygotes.

Submissions (4):

Women's Health and Genetics/Laboratory Corporation of America, LabCorp
Classification: Likely benign. Last evaluated: 2026-02-20. Review status: criteria provided, single submitter. Criteria: LabCorp Variant Classification Summary - May 2015. Collection method: clinical testing. Allele origin: germline.
Comment: Variant summary: HBB c.23A>G (p.Glu8Gly) results in a non-conservative amino acid change in the encoded protein sequence. Algorithms developed to predict the effect of missense changes on protein structure and function all suggest that this variant is likely to be disruptive. The variant allele was found at a frequency of 1.2e-05 in 251184 control chromosomes. The available data on variant occurrences in the general population are insufficient to allow any conclusion about variant significance. c.23A>G has been observed in a healthy individual in homozygosity (Brancati_1989) as well as in several healthy carriers (e.g. Smith_2016, Zhang_2022, Chen_2024). The variant is known in the literature as a rare polymorphism that has been reported mostly in Southern Italian or of Mexican families (Lacerra_2002). Individuals who have the variant of interest together with b-thal mutation are likely to have hematological values reflecting their b-thal carrier status. Studies of functional properties confirmed that the variant protein has normal oxygen affinity, cooperativity and Bohr effect with a slightly decreased stability that may have only a marginal role, considering that the variant is not associated with a clinically significant hemolytic process (Roth_1977, Lacerra_2002). The following publications have been ascertained in the context of this evaluation (PMID: 2599885, 38895162, 11939513, 949549, 26524961, 36226750). ClinVar contains an entry for this variant (Variation ID: 15176). Based on the evidence outlined above, the variant was classified as likely benign.

ARUP Laboratories, Molecular Genetics and Genomics, ARUP Laboratories
Classification: Likely benign. Last evaluated: 2025-06-13. Review status: criteria provided, single submitter. Criteria: ARUP Molecular Germline Variant Investigation Process 2024. Collection method: clinical testing. Allele origin: germline.
Comment: The Hb G-San Jose variant (HBB c.23A>G; p.Glu8Gly, also known as Glu7Gly when numbered from the mature protein, rs34387455, HbVar ID: 230, ClinVar Variation ID: 15176), is not associated with any clinically significant symptoms in individuals who are homozygous carriers of the variant, or compound heterozygous with a pathogenic HBB variant (Lacerra 2002, Musumeci 1979, see HbVar link). This variant has been reported to have normal Bohr effect, cooperativity, and oxygen affinity, but is slightly unstable at elevated temperatures (Roth 1977). This variant is only observed on three alleles in the Genome Aggregation Database, indicating it is not a common polymorphism. Computational analyses predict that this variant is deleterious (REVEL: 0.83). However, due to the absence of associated clinical symptoms, the Hb G-San Jose variant is considered to be likely benign. References: Link to HbVar database: Lacerra G et al. Hb G-San Jose variant levels correlate with alpha-thalassemia genotypes. Hemoglobin. 2002 Feb;26(1):59-66. PMID: 11939513. Musumeci S et al. Hemoglobin G San Jose (beta 2 7 (A4) Glu to Gly alpha 2), beta thalassemia, and alpha thalassemia in a Sicilian family. Hum Genet. 1979 Nov;52(2):239-47. PMID: 511180. Roth EF Jr et al. Some properties of Hb G San Jose (beta7 glu replaced by gly): comparisons with Hb S. J Lab Clin Med. 1977 Nov;90(5):837-43. PMID: 20481.

Quest Diagnostics Nichols Institute San Juan Capistrano
Classification: Likely benign. Last evaluated: 2025-03-31. Review status: criteria provided, single submitter. Criteria: Quest Diagnostics criteria. Collection method: clinical testing. Allele origin: unknown.

OMIM
Classification: other for HEMOGLOBIN G (SAN JOSE). Last evaluated: 2017-12-12. Review status: no assertion criteria provided. Collection method: literature only. Allele origin: germline. Not counted in ClinVar's aggregate classification.

Literature cited by the submitters: PubMed 11939513 (cited by Women's Health and Genetics/Laboratory Corporation of America, LabCorp and Quest Diagnostics Nichols Institute San Juan Capistrano); PubMed 2599885 (cited by 3 submitters); PubMed 26524961 (cited by Women's Health and Genetics/Laboratory Corporation of America, LabCorp and Quest Diagnostics Nichols Institute San Juan Capistrano); PubMed 949549 (cited by Women's Health and Genetics/Laboratory Corporation of America, LabCorp and Quest Diagnostics Nichols Institute San Juan Capistrano); PubMed 36226750 (cited by Women's Health and Genetics/Laboratory Corporation of America, LabCorp); PubMed 38895162 (cited by Women's Health and Genetics/Laboratory Corporation of America, LabCorp); PubMed 19429541 (cited by Quest Diagnostics Nichols Institute San Juan Capistrano); PubMed 23457306 (cited by Quest Diagnostics Nichols Institute San Juan Capistrano); PubMed 24099628 (cited by Quest Diagnostics Nichols Institute San Juan Capistrano); PubMed 24055728 (cited by Quest Diagnostics Nichols Institute San Juan Capistrano); PubMed 31553106 (cited by Quest Diagnostics Nichols Institute San Juan Capistrano); PubMed 29233055 (cited by Quest Diagnostics Nichols Institute San Juan Capistrano); PubMed 24905386 (cited by Quest Diagnostics Nichols Institute San Juan Capistrano); PubMed 13403987 (cited by OMIM); PubMed 13714317 (cited by OMIM); PubMed 13852403 (cited by OMIM); PubMed 4214182 (cited by OMIM); PubMed 7353959 (cited by OMIM); PubMed 7338474 (cited by OMIM).

NM_000518.4(HBB):c.23A>G (p.Glu8Gly)

Genes: HBB (hemoglobin subunit beta; minus strand), LOC106099062 (HBB recombination region; plus strand), LOC107133510 (origin of replication at HBB; plus strand). Cytogenetic location: 11p15.4.
Variant type: single nucleotide variant.
Coding change: c.23A>G on transcript NM_000518.4; coding-DNA position 23, A replaced by G.
Protein change: p.Glu8Gly; replaces glutamic acid 8 with glycine.
Molecular consequence: missense variant (on NM_000518.5).
Genome position (GRCh38, 1-based): chr11:5,226,999, T>C on the plus strand (A>G on the coding strand, the complement: HBB is on the minus strand). VCF-style: chr11-5226999-T-C. GRCh37 (hg19) VCF-style: chr11-5248229-T-C.
Other names: E7G; c.23A>G, p.Glu8Gly (NM_000518.5); short protein forms E8G.
Identifiers: ClinVar variation 15176 (VCV000015176.23), dbSNP rs34387455, ClinGen allele CA124863.
Genomic context (GRCh38, chr11:5,226,999, plus strand): 5'-GCCTCACCACCAACTTCATCCACGTTCACCTTGCCCCACAGGGCAGTAACGGCAGACTTC[T>C]CCTCAGGAGTCAGATGCACCATGGTGTCTGTTTGAGGTTGCTAGTGAACACAGTTGTGTC-3'
Protein context (NP_000509.1, residues 1-18): MVHLTPE[Glu8Gly]KSAVTALWGK